The following is an entry in ClinVar:

ClinVar aggregate classification (germline): Uncertain significance. Review status: criteria provided, multiple submitters, no conflicts (2 of 4 stars). 2 submissions from 2 submitters: Uncertain significance (2). Last evaluated 2023-05-16.

Conditions:
PEPD-related disorder. Also called: PEPD-related condition.

Allele frequency attached by ClinVar (database versions not stated): gnomAD 0.00001; TOPMed 0.00001; gnomAD exomes 0.00002 and 0.00004; ExAC 0.00006; 1000 Genomes Project 30x 0.00016; 1000 Genomes Project 0.00020.

Submissions (2):

PreventionGenetics, part of Exact Sciences
Classification: Uncertain significance for PEPD-related condition. Last evaluated: 2023-05-16. Review status: criteria provided, single submitter. Criteria: ACMG Guidelines, 2015. Collection method: clinical testing. Allele origin: germline.
Comment: The PEPD c.940C>T variant is predicted to result in the amino acid substitution p.Arg314Cys. This variant has been reported as a de novo variant in individuals with autism spectrum disorder (Supplemental Table 2, Iossifov et al. 2014. PubMed ID: 25363768; Table S1, Koire et al. 2021. PubMed ID: 34011629). This variant is reported in 0.018% of alleles in individuals of Latino descent in gnomAD. At this time, the clinical significance of this variant is uncertain due to the absence of conclusive functional and genetic evidence.

GeneDx
Classification: Uncertain significance. Last evaluated: 2019-07-26. Review status: criteria provided, single submitter. Criteria: GeneDx Variant Classification Process June 2021. Collection method: clinical testing. Allele origin: germline. Affected: yes.
Comment: In silico analysis, which includes protein predictors and evolutionary conservation, supports a deleterious effect; This variant is associated with the following publications: (PMID: 25363768)

NM_000285.4(PEPD):c.940C>T (p.Arg314Cys)

Gene: PEPD (peptidase D; minus strand). Cytogenetic location: 19q13.11.
Variant type: single nucleotide variant.
Coding change: c.940C>T on transcript NM_000285.4 (MANE Select); coding-DNA position 940, C replaced by T.
Protein change: p.Arg314Cys; replaces arginine 314 with cysteine.
Molecular consequence: missense variant.
Genome position (GRCh38, 1-based): chr19:33,401,748, G>A on the plus strand (C>T on the coding strand, the complement: PEPD is on the minus strand). VCF-style: chr19-33401748-G-A. GRCh37 (hg19) VCF-style: chr19-33892654-G-A.
Other names: c.817C>T, p.Arg273Cys (NM_001166056.2); c.748C>T, p.Arg250Cys (NM_001166057.2); short protein forms R250C, R273C, R314C.
Identifiers: ClinVar variation 1304027 (VCV001304027.3), dbSNP rs537473674, ClinGen allele CA9364075.